The following is an entry in ClinVar:

NM_001319074.4(RAX2):c.420G>A (p.Pro140=)

Gene: RAX2 (retina and anterior neural fold homeobox 2; minus strand). Cytogenetic location: 19p13.3.
Variant type: single nucleotide variant.
Coding change: c.420G>A on transcript NM_001319074.4 (MANE Select); coding-DNA position 420, G replaced by A.
Protein change: p.Pro140=; no amino-acid change (proline 140 retained).
Molecular consequence: synonymous variant.
Genome position (GRCh38, 1-based): chr19:3,770,756, C>T on the plus strand (G>A on the coding strand, the complement: RAX2 is on the minus strand). VCF-style: chr19-3770756-C-T. GRCh37 (hg19) VCF-style: chr19-3770754-C-T.
Other names: c.420G>A, p.Pro140= (NM_032753.4); c.420G>A (NM_032753.3).
Identifiers: ClinVar variation 1384637 (VCV001384637.10), dbSNP rs947549671, ClinGen allele CA304416666.

ClinVar aggregate classification (germline): Likely benign. Review status: criteria provided, multiple submitters, no conflicts (2 of 4 stars). 3 submissions from 3 submitters: Likely benign (3). Last evaluated 2025-08-09.

Conditions:
RAX2-related disorder. Also called: RAX2-related condition; RAX2-related disorders.

Allele frequency attached by ClinVar (database versions not stated): TOPMed below 0.00001; gnomAD 0.00001; gnomAD exomes 0.00001.
gnomAD v4.1: 21 of 1,529,818 alleles (0.0014%); highest among the groups gnomAD compares: South Asian, 0.0036%; no homozygotes.

Submissions (3):

PreventionGenetics, part of Exact Sciences
Classification: Likely benign for RAX2-related condition. Last evaluated: 2025-08-09. Review status: criteria provided, single submitter. Criteria: ACMG Guidelines, 2015. Collection method: clinical testing. Allele origin: germline.
Comment: This variant is classified as likely benign based on ACMG/AMP sequence variant interpretation guidelines (Richards et al. 2015 PMID: 25741868, with internal and published modifications).

Labcorp Genetics (formerly Invitae), Labcorp
Classification: Likely benign. Last evaluated: 2023-05-22. Review status: criteria provided, single submitter. Criteria: Invitae Variant Classification Sherloc (09022015). Collection method: clinical testing. Allele origin: germline.

Breakthrough Genomics
Classification: Likely benign. Review status: criteria provided, single submitter. Criteria: ACMG Guidelines, 2015. Collection method: not provided. Allele origin: germline. Inheritance: Autosomal recessive inheritance. Affected: yes.